The following is an entry in ClinVar:

ClinVar aggregate classification (germline): Uncertain significance. Review status: criteria provided, multiple submitters, no conflicts (2 of 4 stars). 6 submissions from 6 submitters: Uncertain significance (6). Last evaluated 2026-09-08.

Conditions:
Hypokalemic periodic paralysis, type 2 (HOKPP2). Identifiers: Orphanet 681, MedGen C2750061, MONDO:0013234, OMIM 613345.
Hyperkalemic periodic paralysis. Also called: Familial hyperkalemic periodic paralysis; Gamstorp disease. Identifiers: Orphanet 682, MedGen C0238357, MONDO:0008224, OMIM 170500, HP:0007215.
Potassium-aggravated myotonia. Also called: MYOTONIA CONGENITA, ACETAZOLAMIDE-RESPONSIVE; MYOTONIA CONGENITA, ATYPICAL; SODIUM CHANNEL MUSCLE DISEASE; Myotonia congenita, atypical, acetazolamide-responsive. Identifiers: Orphanet 612, Orphanet 99734, Orphanet 99735, Orphanet 99736, MedGen C2931826, MONDO:0018959, OMIM 608390.
Congenital myasthenic syndrome 16. Identifiers: Orphanet 590, MedGen C3280112, MONDO:0013620, OMIM 614198.
Paramyotonia congenita of Von Eulenburg. Also called: Paramyotonia Congenita; Eulenburg disease; Myotonia congenita intermittens; Von Eulenburg paramyotonia congenita; PARALYSIS PERIODICA PARAMYOTONICA. Identifiers: Orphanet 684, MedGen C0221055, MONDO:0008195, OMIM 168300. Disease mechanism: loss of function.
Congenital myopathy 22A, classic (CMYO22A). Identifiers: MedGen C5830453, MONDO:0957247, OMIM 620351.
Congenital myopathy 22B, severe fetal (CMYO22B). Identifiers: MedGen C5830501, MONDO:0957265, OMIM 620369.
Inborn genetic diseases. Identifiers: MedGen C0950123, MeSH D030342.

Allele frequency attached by ClinVar (database versions not stated): gnomAD exomes 0.00005 and 0.00001; 1000 Genomes Project 0.00020; ESP Exome Variant Server 0.00038; gnomAD 0.00011 and 0.00013; ExAC 0.00006; TOPMed 0.00015; 1000 Genomes Project 30x 0.00016.
gnomAD v4.1: 32 of 1,613,898 alleles (0.002%); highest among the groups gnomAD compares: African/African-American, 0.039%; no homozygotes.

Submissions (6):

GeneDx
Classification: Uncertain significance. Last evaluated: 2026-09-08. Review status: criteria provided, single submitter. Criteria: GeneDx Variant Classification Process June 2021. Collection method: clinical testing. Allele origin: germline.
Comment: In silico analysis supports that this missense variant has a deleterious effect on protein structure/function; Has not been previously published as pathogenic or benign to our knowledge

Greenwood Genetic Center Diagnostic Laboratories, Greenwood Genetic Center
Classification: Uncertain significance. Last evaluated: 2026-04-16. Review status: criteria provided, single submitter. Criteria: ACMG Guidelines, 2015. Collection method: clinical testing. Allele origin: germline.
Comment: PP3

Labcorp Genetics (formerly Invitae), Labcorp
Classification: Uncertain significance for Hyperkalemic periodic paralysis. Last evaluated: 2026-01-04. Review status: criteria provided, single submitter. Criteria: Invitae Variant Classification Sherloc (09022015). Collection method: clinical testing. Allele origin: germline.
Comment: This sequence change replaces cysteine, which is neutral and slightly polar, with arginine, which is basic and polar, at codon 729 of the SCN4A protein (p.Cys729Arg). This variant is present in population databases (rs200025736, gnomAD 0.05%). This variant has not been reported in the literature in individuals affected with SCN4A-related conditions. ClinVar contains an entry for this variant (Variation ID: 451324). Invitae Evidence Modeling of protein sequence and biophysical properties (such as structural, functional, and spatial information, amino acid conservation, physicochemical variation, residue mobility, and thermodynamic stability) has been performed for this missense variant. However, the output from this modeling did not meet the statistical confidence thresholds required to predict the impact of this variant on SCN4A protein function. In summary, the available evidence is currently insufficient to determine the role of this variant in disease. Therefore, it has been classified as a Variant of Uncertain Significance.

Fulgent Genetics
Classification: Uncertain significance for Paramyotonia congenita of Von Eulenburg; Hyperkalemic periodic paralysis; Potassium-aggravated myotonia; Hypokalemic periodic paralysis, type 2; Congenital myasthenic syndrome 16; Congenital myopathy 22A, classic; Congenital myopathy 22B, severe fetal. Last evaluated: 2024-02-26. Review status: criteria provided, single submitter. Criteria: ACMG Guidelines, 2015. Collection method: clinical testing. Allele origin: germline.

Ambry Genetics
Classification: Uncertain significance for Inborn genetic diseases. Last evaluated: 2023-10-27. Review status: criteria provided, single submitter. Criteria: Ambry Variant Classification Scheme 2023. Collection method: clinical testing. Allele origin: germline.

Revvity Omics, Revvity
Classification: Uncertain significance. Last evaluated: 2020-04-21. Review status: criteria provided, single submitter. Criteria: ACMG Guidelines, 2015. Collection method: clinical testing. Allele origin: germline.

NM_000334.4(SCN4A):c.2185T>C (p.Cys729Arg)

Genes: GH-LCR (growth hormone locus control region; plus strand), SCN4A (sodium voltage-gated channel alpha subunit 4; minus strand). Cytogenetic location: 17q23.3.
Variant type: single nucleotide variant.
Coding change: c.2185T>C on transcript NM_000334.4 (MANE Select); coding-DNA position 2185, T replaced by C.
Protein change: p.Cys729Arg; replaces cysteine 729 with arginine.
Molecular consequence: missense variant.
Genome position (GRCh38, 1-based): chr17:63,957,353, A>G on the plus strand (T>C on the coding strand, the complement: SCN4A is on the minus strand). VCF-style: chr17-63957353-A-G. GRCh37 (hg19) VCF-style: chr17-62034713-A-G.
Other names: short protein forms C729R.
Identifiers: ClinVar variation 451324 (VCV000451324.25), dbSNP rs200025736, ClinGen allele CA8709643.